The following is an entry in ClinVar:

NM_001282874.2(SMARCA1):c.2992T>C (p.Phe998Leu)

Gene: SMARCA1 (SNF2 related chromatin remodeling ATPase 1; minus strand). Cytogenetic location: Xq25.
Variant type: single nucleotide variant.
Coding change: c.2992T>C on transcript NM_001282874.2 (MANE Select); coding-DNA position 2992, T replaced by C.
Protein change: p.Phe998Leu; replaces phenylalanine 998 with leucine.
Molecular consequence: missense variant.
Genome position (GRCh38, 1-based): chrX:129,465,558, A>G on the plus strand (T>C on the coding strand, the complement: SMARCA1 is on the minus strand). VCF-style: chrX-129465558-A-G. GRCh37 (hg19) VCF-style: chrX-128599535-A-G.
Other names: c.2956T>C, p.Phe986Leu (NM_001282875.2, NM_001378262.1, NM_001378263.1 and 1 more transcripts); c.2992T>C, p.Phe998Leu (NM_001378261.1, NM_003069.5); short protein forms F986L, F998L.
Identifiers: ClinVar variation 3899553 (VCV003899553.1).

ClinVar aggregate classification (germline): Uncertain significance (1 of 4 stars; one submission).

Submission:

GeneDx
Classification: Uncertain significance. Last evaluated: 2024-10-17. Review status: criteria provided, single submitter. Criteria: GeneDx Variant Classification Process June 2021. Collection method: clinical testing. Allele origin: germline. Affected: yes.
Comment: Not observed at significant frequency in large population cohorts (gnomAD); In silico analysis supports that this missense variant has a deleterious effect on protein structure/function; Variants in candidate genes are classified as variants of uncertain significance in accordance with ACMG guidelines (PMID: 25741868); Has not been previously published as pathogenic or benign to our knowledge